The following is an entry in ClinVar:

ClinVar aggregate classification (germline): Pathogenic. Review status: criteria provided, multiple submitters, no conflicts (2 of 4 stars). 2 submissions from 2 submitters: Pathogenic (2). Last evaluated 2025-05-23.

Conditions:
Osteogenesis imperfecta type I (OI1). Also called: Classic Non-deforming Osteogenesis Imperfecta with Blue Sclerae; Osteogenesis imperfecta type 1; Lobstein disease; OI, TYPE I; OSTEOGENESIS IMPERFECTA TARDA; OSTEOGENESIS IMPERFECTA WITH BLUE SCLERAE. Identifiers: Orphanet 216796, Orphanet 666, MedGen C0023931, MONDO:0008146, OMIM 166200. Disease mechanism: loss of function.

Submissions (2):

Clinical Biomedical Laboratory, Shriners Hospital For Children - Canada
Classification: Pathogenic for Osteogenesis imperfecta type I. Last evaluated: 2025-05-23. Review status: criteria provided, single submitter. Criteria: ACMG Guidelines, 2015. Collection method: clinical testing. Allele origin: germline. Affected: yes.
Comment: This variant introduces a premature stop codon in exon 2 and is expected to lead to degradation of the affected transcript. Variants predicted to introduce termination codons lead to degradation of the affected transcript and haploinsufficiency of the alpha 1 chain of collagen type I. COL1A1 haploinsufficiency is a typical cause of osteogenesis imperfecta type I. In the Genome Aggregation Database (gnomAD v2.1.1) this variant is not present. This specific has been reported in the literature (PMID 28725987) as a cause of osteogenesis imperfecta.

GeneDx
Classification: Pathogenic. Last evaluated: 2019-10-01. Review status: criteria provided, single submitter. Criteria: GeneDx Variant Classification Process June 2021. Collection method: clinical testing. Allele origin: germline. Affected: yes.
Comment: Nonsense variant predicted to result in protein truncation or nonsense mediated decay in a gene for which loss-of-function is a known mechanism of disease; Not observed in large population cohorts (Lek et al., 2016); This variant is associated with the following publications: (PMID: 31064048, 28725987)

Literature cited by the submitters: PubMed 28725987 (cited by Clinical Biomedical Laboratory, Shriners Hospital For Children - Canada).

NM_000088.4(COL1A1):c.148C>T (p.Arg50Ter)

Gene: COL1A1 (collagen type I alpha 1 chain; minus strand). Cytogenetic location: 17q21.33.
Variant type: single nucleotide variant.
Coding change: c.148C>T on transcript NM_000088.4 (MANE Select); coding-DNA position 148, C replaced by T.
Protein change: p.Arg50Ter; replaces arginine 50 with a stop codon.
Molecular consequence: nonsense.
Genome position (GRCh38, 1-based): chr17:50,199,903, G>A on the plus strand (C>T on the coding strand, the complement: COL1A1 is on the minus strand). VCF-style: chr17-50199903-G-A. GRCh37 (hg19) VCF-style: chr17-48277264-G-A.
Other names: short protein forms R50*.
Identifiers: ClinVar variation 504445 (VCV000504445.5), dbSNP rs1555575425, ClinGen allele CA400228577.
Genomic context (GRCh38, chr17:50,199,903, plus strand): 5'-ACAACACCTTGCCGTTGTCGCAGACGCAGATCCGGCAGGGCTCGGGTTTCCACACGTCTC[G>A]GTCATGGTACCTGAGGCCGTTCTGTACGCAGGTGATTGGTGGGACTGGGACAGGCGGAAG-3'